The following is an entry in ClinVar:

ClinVar aggregate classification (germline): Likely benign (1 of 4 stars; one submission).

gnomAD v4.1: 208 of 1,613,956 alleles (0.013%); highest among the groups gnomAD compares: Non-Finnish European, 0.017%; no homozygotes.

Submission:

CeGaT Center for Human Genetics Tuebingen
Classification: Likely benign. Last evaluated: 2025-11-01. Review status: criteria provided, single submitter. Criteria: CeGaT Center For Human Genetics Tuebingen Variant Classification Criteria Version 2. Collection method: clinical testing. Allele origin: germline. Affected: yes. Observed: 1 variant allele.
Comment: TIE1: BP4, BP7

NM_005424.5(TIE1):c.2589G>A (p.Leu863=)

Gene: TIE1 (tyrosine kinase with immunoglobulin like and EGF like domains 1; plus strand). Cytogenetic location: 1p34.2.
Variant type: single nucleotide variant.
Coding change: c.2589G>A on transcript NM_005424.5 (MANE Select); coding-DNA position 2589, G replaced by A.
Protein change: p.Leu863=; no amino-acid change (leucine 863 retained).
Molecular consequence: synonymous variant.
Genome position (GRCh38, 1-based): chr1:43,317,378, G>A. VCF-style: chr1-43317378-G-A. GRCh37 (hg19) VCF-style: chr1-43783049-G-A.
Other names: c.2454G>A, p.Leu818= (NM_001253357.2).
Identifiers: ClinVar variation 4681530 (VCV004681530.5).